The following is an entry in ClinVar:

ClinVar aggregate classification (germline): Uncertain significance (1 of 4 stars; one submission).

Conditions:
Pyogenic arthritis-pyoderma gangrenosum-acne syndrome (PAPA). Also called: PAPA SYNDROME; FAMILIAL RECURRENT ARTHRITIS. Identifiers: Orphanet 69126, MedGen C1858361, MONDO:0011462, OMIM 604416.

Allele frequency attached by ClinVar (database versions not stated): gnomAD exomes below 0.00001.
gnomAD v4.1: 1 of 1,573,908 alleles (0.000064%); highest among the groups gnomAD compares: South Asian, 0.0012%; no homozygotes.

Submission:

Labcorp Genetics (formerly Invitae), Labcorp
Classification: Uncertain significance for Pyogenic arthritis-pyoderma gangrenosum-acne syndrome. Last evaluated: 2019-08-22. Review status: criteria provided, single submitter. Criteria: Invitae Variant Classification Sherloc (09022015). Collection method: clinical testing. Allele origin: germline.
Comment: In summary, the available evidence is currently insufficient to determine the role of this variant in disease. Therefore, it has been classified as a Variant of Uncertain Significance. The current clinical and genetic evidence is not sufficient to establish whether loss-of-function variants in PSTPIP1 cause disease. Algorithms developed to predict the effect of sequence changes on RNA splicing suggest that this variant may disrupt the consensus splice site, but this prediction has not been confirmed by published transcriptional studies. This variant has not been reported in the literature in individuals with PSTPIP1-related conditions. This variant is not present in population databases (ExAC no frequency). This sequence change affects an acceptor splice site in intron 11 of the PSTPIP1 gene. It is expected to disrupt RNA splicing and likely results in an absent or disrupted protein product.

NM_003978.5(PSTPIP1):c.839-1G>T

Gene: PSTPIP1 (proline-serine-threonine phosphatase interacting protein 1; plus strand). Cytogenetic location: 15q24.3.
Variant type: single nucleotide variant.
Coding change: c.839-1G>T on transcript NM_003978.5 (MANE Select); the canonical splice acceptor site of the intron before coding-DNA position 839, G replaced by T.
Molecular consequence: splice acceptor variant. On other transcripts: intron variant (1).
Genome position (GRCh38, 1-based): chr15:77,032,861, G>T. VCF-style: chr15-77032861-G-T. GRCh37 (hg19) VCF-style: chr15-77325202-G-T.
Other names: c.1034-1G>T (NM_001321137.1); c.812-1G>T (NM_001321136.2); c.872+433G>T (NM_001321135.2); c.839-1G>T (NM_001411086.1).
Identifiers: ClinVar variation 955410 (VCV000955410.8), dbSNP rs2076455169, ClinGen allele CA393521317.